The following is an entry in ClinVar:

NM_000257.4(MYH7):c.5666C>G (p.Ala1889Gly)

Gene: MYH7 (myosin heavy chain 7; minus strand). Cytogenetic location: 14q11.2.
Variant type: single nucleotide variant.
Coding change: c.5666C>G on transcript NM_000257.4 (MANE Select); coding-DNA position 5666, C replaced by G.
Protein change: p.Ala1889Gly; replaces alanine 1889 with glycine.
Molecular consequence: missense variant.
Genome position (GRCh38, 1-based): chr14:23,413,883, G>C on the plus strand (C>G on the coding strand, the complement: MYH7 is on the minus strand). VCF-style: chr14-23413883-G-C. GRCh37 (hg19) VCF-style: chr14-23883092-G-C.
Other names: c.5666C>G, p.Ala1889Gly (NM_001407004.1); short protein forms A1889G.
Identifiers: ClinVar variation 3069690 (VCV003069690.2), dbSNP rs1455720399, ClinGen allele CA389034732.
Genomic context (GRCh38, chr14:23,413,883, plus strand): 5'-CGCTCCTCTGCCTCATCCAGCTCGTGCTGCACCTTGCGGAACTTGGACAGGTTGGTGTTG[G>C]CTTGCTCCTCCTGCGGGAGGTGGGAGCATGAGGTGAGAGGGGGCCTGGGTTCTCAGACTC-3'
Protein context (NP_000248.2, residues 1879-1899): KRQAEEAEEQ[Ala1889Gly]NTNLSKFRKV

ClinVar aggregate classification (germline): Uncertain significance (1 of 4 stars; one submission).

Conditions:
Cardiomyopathy (CMYO). Also called: Cardiomyopathies. Identifiers: Orphanet 167848, MedGen C0878544, MONDO:0004994, HP:0001638. Inheritance: Various modes of inheritance.

Allele frequency attached by ClinVar (database versions not stated): gnomAD exomes below 0.00001.
gnomAD v4.1: 2 of 1,614,256 alleles (0.00012%); highest among the groups gnomAD compares: Non-Finnish European, 0.00017%; no homozygotes.

Submission:

All of Us Research Program, National Institutes of Health
Classification: Uncertain significance for Cardiomyopathy. Last evaluated: 2024-07-20. Review status: criteria provided, single submitter. Criteria: ACMG Guidelines, 2015. Collection method: clinical testing. Allele origin: germline. Inheritance: Autosomal dominant inheritance. Observed: 2 variant alleles, 2 heterozygotes.
Comment: This missense variant replaces alanine with glycine at codon 1889 of the MYH7 protein. Computational prediction is inconclusive regarding the impact of this variant on protein structure and function (internally defined REVEL score threshold 0.5 < inconclusive < 0.7, PMID: 27666373). To our knowledge, functional studies have not been reported for this variant. This variant has not been reported in individuals affected with MYH7-related disorders in the literature. This variant has not been identified in the general population by the Genome Aggregation Database (gnomAD). The available evidence is insufficient to determine the role of this variant in disease conclusively. Therefore, this variant is classified as a Variant of Uncertain Significance.

This study involves interpretation of variants in research participants for the purpose of population health screening. Participant phenotype was not available at the time of variant classification. Additional details can be found in publication PMID: 35346344, PMCID: PMC8962531